The following is an entry in ClinVar:

NM_002547.3(OPHN1):c.702+136T>C

Gene: OPHN1 (oligophrenin 1; minus strand). Cytogenetic location: Xq12.
Variant type: single nucleotide variant.
Coding change: c.702+136T>C on transcript NM_002547.3 (MANE Select); 136 bases into the intron after coding-DNA position 702, T replaced by C.
Molecular consequence: intron variant.
Genome position (GRCh38, 1-based): chrX:68,211,972, A>G on the plus strand (T>C on the coding strand, the complement: OPHN1 is on the minus strand). VCF-style: chrX-68211972-A-G. GRCh37 (hg19) VCF-style: chrX-67431814-A-G.
Identifiers: ClinVar variation 667774 (VCV000667774.2), dbSNP rs2225124, ClinGen allele CA330818759.

ClinVar aggregate classification (germline): Benign. Review status: criteria provided, multiple submitters, no conflicts (2 of 4 stars). 2 submissions from 2 submitters: Benign (2). Last evaluated 2018-06-14.

Allele frequency attached by ClinVar (database versions not stated): 1000 Genomes Project 30x 0.56483; 1000 Genomes Project 0.57722; TOPMed 0.57993; gnomAD 0.58709 and 0.59962.

Submissions (2):

GeneDx
Classification: Benign. Last evaluated: 2018-06-14. Review status: criteria provided, single submitter. Criteria: GeneDx Variant Classification (06012015). Collection method: clinical testing. Allele origin: germline. Affected: yes.
Comment: This variant is considered likely benign or benign based on one or more of the following criteria: it is a conservative change, it occurs at a poorly conserved position in the protein, it is predicted to be benign by multiple in silico algorithms, and/or has population frequency not consistent with disease.

Breakthrough Genomics
Classification: Benign. Review status: criteria provided, single submitter. Criteria: ACMG Guidelines, 2015. Collection method: not provided. Allele origin: germline. Inheritance: X-linked inheritance. Affected: yes.